The following is an entry in ClinVar:

NM_000051.4(ATM):c.1397A>G (p.Gln466Arg)

Gene: ATM (ATM serine/threonine kinase; plus strand). Cytogenetic location: 11q22.3.
Variant type: single nucleotide variant.
Coding change: c.1397A>G on transcript NM_000051.4 (MANE Select); coding-DNA position 1397, A replaced by G.
Protein change: p.Gln466Arg; replaces glutamine 466 with arginine.
Molecular consequence: missense variant.
Genome position (GRCh38, 1-based): chr11:108,250,862, A>G. VCF-style: chr11-108250862-A-G. GRCh37 (hg19) VCF-style: chr11-108121589-A-G.
Other names: c.1397A>G, p.Gln466Arg (NM_001351834.2); short protein forms Q466R.
Identifiers: ClinVar variation 819100 (VCV000819100.10), dbSNP rs770028453, ClinGen allele CA6264813.

ClinVar aggregate classification (germline): Uncertain significance. Review status: criteria provided, multiple submitters, no conflicts (2 of 4 stars). 5 submissions from 5 submitters: Uncertain significance (4). 1 of the submissions does not count toward it. Last evaluated 2025-03-12.

Conditions:
ATM-related disorder. Also called: ATM-related disorders; ATM-related condition.
Ataxia-telangiectasia syndrome (AT). Also called: Cerebello-oculocutaneous telangiectasia; Immunodeficiency with ataxia telangiectasia; Ataxia-telangiectasia, complementation group E; Ataxia-telangiectasia, complementation group D; AT, COMPLEMENTATION GROUP C; ATAXIA-TELANGIECTASIA, COMPLEMENTATION GROUP A. Identifiers: Orphanet 100, MedGen C0004135, MONDO:0008840, OMIM 208900.
Hereditary cancer-predisposing syndrome. Also called: Hereditary Cancer Syndrome; Neoplastic Syndromes, Hereditary; Hereditary neoplastic syndrome; Tumor predisposition. Identifiers: Orphanet 140162, MedGen C0027672, MeSH D009386, MONDO:0015356.

Allele frequency attached by ClinVar (database versions not stated): gnomAD below 0.00001 and 0.00001; ExAC 0.00001; gnomAD exomes 0.00001.

Submissions (5):

GeneDx
Classification: Uncertain significance. Last evaluated: 2025-03-12. Review status: criteria provided, single submitter. Criteria: GeneDx Variant Classification Process June 2021. Collection method: clinical testing. Allele origin: germline. Affected: yes.
Comment: Not observed at significant frequency in large population cohorts (gnomAD); In silico analysis indicates that this missense variant does not alter protein structure/function; Has not been previously published as pathogenic or benign to our knowledge

Ambry Genetics
Classification: Uncertain significance for Hereditary cancer-predisposing syndrome. Last evaluated: 2025-01-16. Review status: criteria provided, single submitter. Criteria: Ambry Variant Classification Scheme 2023. Collection method: clinical testing. Allele origin: germline.
Comment: The p.Q466R variant (also known as c.1397A>G), located in coding exon 9 of the ATM gene, results from an A to G substitution at nucleotide position 1397. The glutamine at codon 466 is replaced by arginine, an amino acid with highly similar properties. This amino acid position is well conserved in available vertebrate species. In addition, the in silico prediction for this alteration is inconclusive. Based on the available evidence, the clinical significance of this variant remains unclear.

PreventionGenetics, part of Exact Sciences
Classification: Uncertain significance for ATM-related condition. Last evaluated: 2023-03-14. Review status: criteria provided, single submitter. Criteria: ACMG Guidelines, 2015. Collection method: clinical testing. Allele origin: germline.
Comment: The ATM c.1397A>G variant is predicted to result in the amino acid substitution p.Gln466Arg. To our knowledge, this variant has not been reported in the literature. This variant is reported in 0.0065% of alleles in individuals of South Asian descent in gnomAD. At this time, the clinical significance of this variant is uncertain due to the absence of conclusive functional and genetic evidence.

Labcorp Genetics (formerly Invitae), Labcorp
Classification: Uncertain significance for Ataxia-telangiectasia syndrome. Last evaluated: 2021-08-27. Review status: criteria provided, single submitter. Criteria: Invitae Variant Classification Sherloc (09022015). Collection method: clinical testing. Allele origin: germline.
Comment: This sequence change replaces glutamine with arginine at codon 466 of the ATM protein (p.Gln466Arg). The glutamine residue is moderately conserved and there is a small physicochemical difference between glutamine and arginine. This variant is present in population databases (rs770028453, ExAC 0.006%). This variant has not been reported in the literature in individuals affected with ATM-related conditions. ClinVar contains an entry for this variant (Variation ID: 819100). Advanced modeling of protein sequence and biophysical properties (such as structural, functional, and spatial information, amino acid conservation, physicochemical variation, residue mobility, and thermodynamic stability) performed at Invitae indicates that this missense variant is not expected to disrupt ATM protein function. In summary, the available evidence is currently insufficient to determine the role of this variant in disease. Therefore, it has been classified as a Variant of Uncertain Significance.

Natera, Inc.
Classification: Uncertain significance for Ataxia-telangiectasia. Last evaluated: 2020-04-13. Review status: no assertion criteria provided. Collection method: clinical testing. Allele origin: germline. Not counted in ClinVar's aggregate classification.